The following is an entry in ClinVar:

NM_002087.4(GRN):c.1514C>G (p.Ala505Gly)

Gene: GRN (granulin precursor; plus strand). Cytogenetic location: 17q21.31.
Variant type: single nucleotide variant.
Coding change: c.1514C>G on transcript NM_002087.4 (MANE Select); coding-DNA position 1514, C replaced by G.
Protein change: p.Ala505Gly; replaces alanine 505 with glycine.
Molecular consequence: missense variant.
Genome position (GRCh38, 1-based): chr17:44,352,441, C>G. VCF-style: chr17-44352441-C-G. GRCh37 (hg19) VCF-style: chr17-42429809-C-G.
Other names: short protein forms A505G.
Identifiers: ClinVar variation 1518387 (VCV001518387.8), dbSNP rs780159686, ClinGen allele CA8602226.

ClinVar aggregate classification (germline): Uncertain significance. Review status: criteria provided, multiple submitters, no conflicts (2 of 4 stars). 2 submissions from 2 submitters: Uncertain significance (2). Last evaluated 2025-06-09.

Conditions:
Neuronal ceroid lipofuscinosis 11. Also called: GRN-Related Neuronal Ceroid-Lipofuscinosis. Identifiers: Orphanet 314629, Orphanet 79262, MedGen C3539123, MONDO:0013866, OMIM 614706.
GRN-related frontotemporal lobar degeneration with Tdp43 inclusions (FTD2). Also called: GRN Frontotemporal Dementia; FRONTOTEMPORAL DEMENTIA WITH TDP43 INCLUSIONS, GRN-RELATED; DEMENTIA, HEREDITARY DYSPHASIC DISINHIBITION; FRONTOTEMPORAL LOBAR DEGENERATION WITH UBIQUITIN-POSITIVE INCLUSIONS; FTLD-TDP, GRN-RELATED. Identifiers: Orphanet 100070, Orphanet 282, MedGen C1843792, MONDO:0011842, OMIM 607485. Disease mechanism: loss of function.
Inborn genetic diseases. Identifiers: MedGen C0950123, MeSH D030342.

Allele frequency attached by ClinVar (database versions not stated): gnomAD 0.00004; TOPMed 0.00005; gnomAD exomes 0.00008; ExAC 0.00010.
gnomAD v4.1: 82 of 1,613,968 alleles (0.0051%); highest among the groups gnomAD compares: Middle Eastern, 0.033%; no homozygotes.

Submissions (2):

Labcorp Genetics (formerly Invitae), Labcorp
Classification: Uncertain significance for Neuronal ceroid lipofuscinosis 11; GRN-related frontotemporal lobar degeneration with Tdp43 inclusions. Last evaluated: 2025-06-09. Review status: criteria provided, single submitter. Criteria: Invitae Variant Classification Sherloc (09022015). Collection method: clinical testing. Allele origin: germline.
Comment: This sequence change replaces alanine, which is neutral and non-polar, with glycine, which is neutral and non-polar, at codon 505 of the GRN protein (p.Ala505Gly). This variant is present in population databases (rs780159686, gnomAD 0.02%). This missense change has been observed in individual(s) with clinical features of GRN-related conditions (PMID: 32507413). ClinVar contains an entry for this variant (Variation ID: 1518387). Invitae Evidence Modeling of protein sequence and biophysical properties (such as structural, functional, and spatial information, amino acid conservation, physicochemical variation, residue mobility, and thermodynamic stability) indicates that this missense variant is not expected to disrupt GRN protein function with a negative predictive value of 80%. In summary, the available evidence is currently insufficient to determine the role of this variant in disease. Therefore, it has been classified as a Variant of Uncertain Significance.

Ambry Genetics
Classification: Uncertain significance for Inborn genetic diseases. Last evaluated: 2024-03-28. Review status: criteria provided, single submitter. Criteria: Ambry Variant Classification Scheme 2023. Collection method: clinical testing. Allele origin: germline.
Comment: The c.1514C>G (p.A505G) alteration is located in coding exon 11 of the GRN gene. This alteration results from a C to G substitution at nucleotide position 1514, causing the alanine (A) at amino acid position 505 to be replaced by a glycine (G). Based on data from gnomAD, the G allele has an overall frequency of 0.008% (19/251344) total alleles studied. The highest observed frequency was 0.033% (2/6132) of Other alleles. This variant, reported as a benign polymorphism, was identified in an individual with an atypical frontotemporal dementia phenotype of of Gerstmann-Straussler-Scheinker disease and two siblings with progressive ataxia; all three also carried a variant in the PRNP gene (Giovagnoli, 2008). This variant has been reported in an individual with with motor neuron disease and abnormal findings on brain MRI; however functional studies were not supportive of pathogenicity (Bartoletti-Stella, 2021). This amino acid position is not well conserved in available vertebrate species. This alteration is predicted to be tolerated by in silico analysis. Based on insufficient or conflicting evidence, the clinical significance of this alteration remains unclear.

Literature cited by the submitters: PubMed 32507413 (cited by Labcorp Genetics (formerly Invitae), Labcorp and Ambry Genetics); PubMed 19030774 (cited by Ambry Genetics); PubMed 37895139 (cited by Ambry Genetics).